The following is an entry in ClinVar:

NM_004310.5(RHOH):c.436A>C (p.Lys146Gln)

Gene: RHOH (ras homolog family member H; plus strand). Cytogenetic location: 4p14.
Variant type: single nucleotide variant.
Coding change: c.436A>C on transcript NM_004310.5 (MANE Select); coding-DNA position 436, A replaced by C.
Protein change: p.Lys146Gln; replaces lysine 146 with glutamine.
Molecular consequence: missense variant.
Genome position (GRCh38, 1-based): chr4:40,243,822, A>C. VCF-style: chr4-40243822-A-C. GRCh37 (hg19) VCF-style: chr4-40245442-A-C.
Other names: c.436A>C, p.Lys146Gln (NM_001278359.2, NM_001278360.2, NM_001278361.2 and 8 more transcripts); short protein forms K146Q.
Identifiers: ClinVar variation 1437482 (VCV001437482.8), dbSNP rs2109592421, ClinGen allele CA356782604.

ClinVar aggregate classification (germline): Uncertain significance (1 of 4 stars; one submission).

Conditions:
T-cell immunodeficiency with epidermodysplasia verruciformis. Identifiers: Orphanet 324294, MedGen C4749500, MONDO:0017925.

Submission:

Labcorp Genetics (formerly Invitae), Labcorp
Classification: Uncertain significance for T-cell immunodeficiency with epidermodysplasia verruciformis. Last evaluated: 2022-07-05. Review status: criteria provided, single submitter. Criteria: Invitae Variant Classification Sherloc (09022015). Collection method: clinical testing. Allele origin: germline.
Comment: This sequence change replaces lysine, which is basic and polar, with glutamine, which is neutral and polar, at codon 146 of the RHOH protein (p.Lys146Gln). This variant is not present in population databases (gnomAD no frequency). In summary, the available evidence is currently insufficient to determine the role of this variant in disease. Therefore, it has been classified as a Variant of Uncertain Significance. Algorithms developed to predict the effect of missense changes on protein structure and function are either unavailable or do not agree on the potential impact of this missense change (SIFT: "Tolerated"; PolyPhen-2: "Probably Damaging"; Align-GVGD: "Class C0"). ClinVar contains an entry for this variant (Variation ID: 1437482). This variant has not been reported in the literature in individuals affected with RHOH-related conditions.